The following is an entry in ClinVar:

NM_001128178.3(NPHP1):c.772-3C>T

Gene: NPHP1 (nephrocystin 1; minus strand). Cytogenetic location: 2q13.
Variant type: single nucleotide variant.
Coding change: c.772-3C>T on transcript NM_001128178.3 (MANE Select); 3 bases into the intron before coding-DNA position 772, C replaced by T.
Molecular consequence: intron variant.
Genome position (GRCh38, 1-based): chr2:110,163,138, G>A on the plus strand (C>T on the coding strand, the complement: NPHP1 is on the minus strand). VCF-style: chr2-110163138-G-A. GRCh37 (hg19) VCF-style: chr2-110920715-G-A.
Other names: c.586-6C>T (NM_001128179.3); c.772-6C>T (NM_001374256.1); c.772-3C>T (NM_001374257.1); c.940-6C>T (NM_207181.4); c.940-3C>T (NM_000272.5).
Identifiers: ClinVar variation 5001747 (VCV005001747.1).
Genomic context (GRCh38, chr2:110,163,138, plus strand): 5'-GCCTGAACCCTGCAGGAATAGCTCCCATCGTAGTTAACACATCAACAGTGTTTATCTGCT[G>A]AAGACAGTAACATCAAAATGGATTTGTTTTCAGTCATGTTTCTGCATCTCTATAATACTT-3'

ClinVar aggregate classification (germline): Likely benign (1 of 4 stars; one submission).

Conditions:
NPHP1-related disorder. Also called: NPHP1-related disorders; NPHP1-related condition.

Submission:

PreventionGenetics, part of Exact Sciences
Classification: Likely benign for NPHP1-related condition. Last evaluated: 2024-12-11. Review status: criteria provided, single submitter. Criteria: ACMG Guidelines, 2015. Collection method: clinical testing. Allele origin: germline.
Comment: This variant is classified as likely benign based on ACMG/AMP sequence variant interpretation guidelines (Richards et al. 2015 PMID: 25741868, with internal and published modifications).